The following is an entry in ClinVar:

NM_004656.4(BAP1):c.985C>T (p.Pro329Ser)

Gene: BAP1 (BRCA1 associated deubiquitinase 1; minus strand). Cytogenetic location: 3p21.1.
Variant type: single nucleotide variant.
Coding change: c.985C>T on transcript NM_004656.4 (MANE Select); coding-DNA position 985, C replaced by T.
Protein change: p.Pro329Ser; replaces proline 329 with serine.
Molecular consequence: missense variant.
Genome position (GRCh38, 1-based): chr3:52,405,241, G>A on the plus strand (C>T on the coding strand, the complement: BAP1 is on the minus strand). VCF-style: chr3-52405241-G-A. GRCh37 (hg19) VCF-style: chr3-52439257-G-A.
Other names: c.985C>T (NM_004656.2); short protein forms P329S.
Identifiers: ClinVar variation 629252 (VCV000629252.14), dbSNP rs1559588585, ClinGen allele CA353106090.

ClinVar aggregate classification (germline): Uncertain significance. Review status: criteria provided, multiple submitters, no conflicts (2 of 4 stars). 4 submissions from 4 submitters: Uncertain significance (4). Last evaluated 2026-05-08.

Conditions:
Hereditary cancer-predisposing syndrome. Also called: Tumor predisposition; Hereditary Cancer Syndrome; Neoplastic Syndromes, Hereditary; Hereditary neoplastic syndrome. Identifiers: Orphanet 140162, MedGen C0027672, MeSH D009386, MONDO:0015356.
BAP1-related tumor predisposition syndrome (TPDS1). Also called: Tumor susceptibility linked to germline BAP1 mutations; BAP1 tumor predisposition syndrome; COMMON Syndrome; TUMOR PREDISPOSITION SYNDROME 1. Identifiers: Orphanet 289539, MedGen C3280492, MONDO:0013692, OMIM 614327.

Allele frequency attached by ClinVar (database versions not stated): gnomAD exomes below 0.00001.
gnomAD v4.1: 6 of 1,614,068 alleles (0.00037%); highest among the groups gnomAD compares: Non-Finnish European, 0.00034%; no homozygotes.

Submissions (4):

Ambry Genetics
Classification: Uncertain significance for Hereditary cancer-predisposing syndrome. Last evaluated: 2026-05-08. Review status: criteria provided, single submitter. Criteria: Ambry Variant Classification Scheme 2023. Collection method: clinical testing. Allele origin: germline.
Comment: The p.P329S variant (also known as c.985C>T), located in coding exon 11 of the BAP1 gene, results from a C to T substitution at nucleotide position 985. The proline at codon 329 is replaced by serine, an amino acid with similar properties. This amino acid position is well conserved in available vertebrate species. In addition, this alteration is predicted to be tolerated by in silico analysis. Based on the available evidence, the clinical significance of this variant remains unclear.

Labcorp Genetics (formerly Invitae), Labcorp
Classification: Uncertain significance for BAP1-related tumor predisposition syndrome. Last evaluated: 2025-09-23. Review status: criteria provided, single submitter. Criteria: Invitae Variant Classification Sherloc (09022015). Collection method: clinical testing. Allele origin: germline.
Comment: This sequence change replaces proline, which is neutral and non-polar, with serine, which is neutral and polar, at codon 329 of the BAP1 protein (p.Pro329Ser). This variant is not present in population databases (gnomAD no frequency). This variant has not been reported in the literature in individuals affected with BAP1-related conditions. ClinVar contains an entry for this variant (Variation ID: 629252). Invitae Evidence Modeling of protein sequence and biophysical properties (such as structural, functional, and spatial information, amino acid conservation, physicochemical variation, residue mobility, and thermodynamic stability) indicates that this missense variant is not expected to disrupt BAP1 protein function with a negative predictive value of 80%. In summary, the available evidence is currently insufficient to determine the role of this variant in disease. Therefore, it has been classified as a Variant of Uncertain Significance.

Color Diagnostics, LLC DBA Color Health
Classification: Uncertain significance for Hereditary cancer-predisposing syndrome. Last evaluated: 2024-06-24. Review status: criteria provided, single submitter. Criteria: ACMG Guidelines, 2015. Collection method: clinical testing. Allele origin: germline.
Comment: This missense variant replaces proline with serine at codon 329 of the BAP1 protein. Computational prediction suggests that this variant may not impact protein structure and function. To our knowledge, functional studies have not been reported for this variant. This variant has not been reported in individuals affected with BAP1-related disorders in the literature. This variant has not been identified in the general population by the Genome Aggregation Database (gnomAD). The available evidence is insufficient to determine the role of this variant in disease conclusively. Therefore, this variant is classified as a Variant of Uncertain Significance.

Baylor Genetics
Classification: Uncertain significance for BAP1-related tumor predisposition syndrome. Last evaluated: 2023-08-11. Review status: criteria provided, single submitter. Criteria: ACMG Guidelines, 2015. Collection method: clinical testing. Allele origin: unknown.